The following is an entry in ClinVar:

NM_006431.3(CCT2):c.221T>C (p.Ile74Thr)

Gene: CCT2 (chaperonin containing TCP1 subunit 2; plus strand). Cytogenetic location: 12q15.
Variant type: single nucleotide variant.
Coding change: c.221T>C on transcript NM_006431.3 (MANE Select); coding-DNA position 221, T replaced by C.
Protein change: p.Ile74Thr; replaces isoleucine 74 with threonine.
Molecular consequence: missense variant.
Genome position (GRCh38, 1-based): chr12:69,587,581, T>C. VCF-style: chr12-69587581-T-C. GRCh37 (hg19) VCF-style: chr12-69981361-T-C.
Other names: c.80T>C, p.Ile27Thr (NM_001198842.2); short protein forms I74T, I27T.
Identifiers: ClinVar variation 1393529 (VCV001393529.8), dbSNP rs1368993238, ClinGen allele CA385724021.

ClinVar aggregate classification (germline): Uncertain significance (1 of 4 stars; one submission).

Allele frequency attached by ClinVar (database versions not stated): gnomAD 0.00001; TOPMed 0.00001.
gnomAD v4.1: 5 of 1,613,086 alleles (0.00031%); highest among the groups gnomAD compares: South Asian, 0.0033%; no homozygotes.

Submission:

Labcorp Genetics (formerly Invitae), Labcorp
Classification: Uncertain significance. Last evaluated: 2022-10-13. Review status: criteria provided, single submitter. Criteria: Invitae Variant Classification Sherloc (09022015). Collection method: clinical testing. Allele origin: germline.
Comment: This sequence change replaces isoleucine, which is neutral and non-polar, with threonine, which is neutral and polar, at codon 74 of the CCT2 protein (p.Ile74Thr). This variant is not present in population databases (gnomAD no frequency). This variant has not been reported in the literature in individuals affected with CCT2-related conditions. ClinVar contains an entry for this variant (Variation ID: 1393529). Algorithms developed to predict the effect of missense changes on protein structure and function are either unavailable or do not agree on the potential impact of this missense change (SIFT: "Deleterious"; PolyPhen-2: "Possibly Damaging"; Align-GVGD: "Class C0"). In summary, the available evidence is currently insufficient to determine the role of this variant in disease. Therefore, it has been classified as a Variant of Uncertain Significance.